The following is an entry in ClinVar:

NC_000022.11:g.(?_19755901)_(19766877_?)del

Genes: TBX1 (T-box transcription factor 1; plus strand), LOC110120888 (VISTA enhancer hs515; plus strand). Cytogenetic location: 22q11.21.
Variant type: Deletion.
Identifiers: ClinVar variation 660156 (VCV000660156.2).

ClinVar aggregate classification (germline): Pathogenic (1 of 4 stars; one submission).

Conditions:
DiGeorge syndrome. Also called: Catch22; THIRD AND FOURTH PHARYNGEAL POUCH SYNDROME. Identifiers: Orphanet 567, MedGen C0012236, MONDO:0008564, OMIM 188400.

Submission:

Labcorp Genetics (formerly Invitae), Labcorp
Classification: Pathogenic for DiGeorge sequence. Last evaluated: 2019-12-23. Review status: criteria provided, single submitter. Criteria: Invitae Variant Classification Sherloc (09022015). Collection method: clinical testing. Allele origin: germline.
Comment: A gross deletion of the genomic region encompassing the full coding sequence of the TBX1 gene has been identified. The boundaries of this event are unknown as the deletion extends beyond the assayed region for this gene and therefore may encompass additional genes. Contiguous gene deletions that include TBX1 have been observed in multiple individuals with congenital heart disease, DiGeorge syndrome, and pulmonary atresia (PMID: 25205790, 25516202, 24826987). Loss-of-function variants in TBX1 are known to be pathogenic (PMID: 11239417, 11242049). For these reasons, this variant has been classified as Pathogenic.

Literature cited by the submitters: PubMed 25516202; PubMed 24826987; PubMed 25205790.